The following is an entry in ClinVar:

ClinVar aggregate classification (germline): Uncertain significance (1 of 4 stars; one submission).

Conditions:
Charcot-Marie-Tooth disease type 2. Also called: Charcot-Marie-Tooth type 2. Identifiers: Orphanet 64746, MedGen C0270914, MONDO:0018993.

Submission:

Labcorp Genetics (formerly Invitae), Labcorp
Classification: Uncertain significance for Charcot-Marie-Tooth disease type 2. Last evaluated: 2025-11-17. Review status: criteria provided, single submitter. Criteria: Invitae Variant Classification Sherloc (09022015). Collection method: clinical testing. Allele origin: germline.
Comment: This sequence change replaces glycine, which is neutral and non-polar, with aspartic acid, which is acidic and polar, at codon 521 of the LMNA protein (p.Gly521Asp). This variant is not present in population databases (gnomAD no frequency). This variant has not been reported in the literature in individuals affected with LMNA-related conditions. Invitae Evidence Modeling of protein sequence and biophysical properties (such as structural, functional, and spatial information, amino acid conservation, physicochemical variation, residue mobility, and thermodynamic stability) indicates that this missense variant is expected to disrupt LMNA protein function with a positive predictive value of 95%. In summary, the available evidence is currently insufficient to determine the role of this variant in disease. Therefore, it has been classified as a Variant of Uncertain Significance.

NM_170707.4(LMNA):c.1562G>A (p.Gly521Asp)

Gene: LMNA (lamin A/C; plus strand). Cytogenetic location: 1q22.
Variant type: single nucleotide variant.
Coding change: c.1562G>A on transcript NM_170707.4 (MANE Select); coding-DNA position 1562, G replaced by A.
Protein change: p.Gly521Asp; replaces glycine 521 with aspartic acid.
Molecular consequence: missense variant.
Genome position (GRCh38, 1-based): chr1:156,137,186, G>A. VCF-style: chr1-156137186-G-A. GRCh37 (hg19) VCF-style: chr1-156106977-G-A.
Other names: c.1226G>A, p.Gly409Asp (NM_001257374.3, NM_001406998.1, NM_001406989.1); c.1319G>A, p.Gly440Asp (NM_001282624.2, NM_001406986.1, NM_001406987.1); c.1562G>A, p.Gly521Asp (NM_001282625.2, NM_001282626.2, NM_001406983.1 and 6 more transcripts); c.1004G>A, p.Gly335Asp (NM_001406995.1, NM_001406996.1, NM_001406997.1 and 4 more transcripts); c.938G>A, p.Gly313Asp (NM_001406999.1, NM_001407000.1, NM_001407001.1 and 1 more transcripts); c.1265G>A, p.Gly422Asp (NM_001406988.1); short protein forms G313D, G335D, G409D, G422D, G440D, G521D.
Identifiers: ClinVar variation 4799969 (VCV004799969.1).
Genomic context (GRCh38, chr1:156,137,186, plus strand): 5'-GAGCTGGGGCCACCCACAGCCCCCCTACCGACCTGGTGTGGAAGGCACAGAACACCTGGG[G>A]CTGCGGGAACAGCCTGCGTACGGCTCTCATCAACTCCACTGGGGAAGTAAGTAGGCCTGG-3'
Protein context (NP_733821.1, residues 511-531): DLVWKAQNTW[Gly521Asp]CGNSLRTALI